The following is an entry in ClinVar:

NM_130849.4(SLC39A4):c.1464dup (p.Leu489fs)

Gene: SLC39A4 (solute carrier family 39 member 4; minus strand). Cytogenetic location: 8q24.3.
Variant type: Duplication.
Coding change: c.1464dup on transcript NM_130849.4 (MANE Select); coding-DNA position 1464, one base duplicated (A; older notation c.1464dupA).
Protein change: p.Leu489fs; shifts the reading frame from leucine 489.
Molecular consequence: frameshift variant. On other transcripts: 5 prime UTR variant (1).
Genome position (GRCh38, 1-based): chr8:144,413,523, T duplicated on the plus strand (A on the coding strand, the reverse complement: SLC39A4 is on the minus strand). VCF-style (leftmost placement, unchanged base first): chr8-144413522-G-GT. GRCh37 (hg19) VCF-style: chr8-145638906-G-GT.
Other names: c.-31dup (NM_001280557.2); c.1182dup, p.Leu395fs (NM_001374839.1); c.1389dup, p.Leu464fs (NM_017767.3); short protein forms L464fs, L489fs, L395fs.
Identifiers: ClinVar variation 2013185 (VCV002013185.4), dbSNP rs2537428688, ClinGen allele CA2580078694.

ClinVar aggregate classification (germline): Pathogenic (1 of 4 stars; one submission).

Submission:

Labcorp Genetics (formerly Invitae), Labcorp
Classification: Pathogenic. Last evaluated: 2022-07-07. Review status: criteria provided, single submitter. Criteria: Invitae Variant Classification Sherloc (09022015). Collection method: clinical testing. Allele origin: germline.
Comment: This sequence change creates a premature translational stop signal (p.Leu489Thrfs*156) in the SLC39A4 gene. While this is not anticipated to result in nonsense mediated decay, it is expected to disrupt the last 159 amino acid(s) of the SLC39A4 protein. This variant is not present in population databases (gnomAD no frequency). This variant has not been reported in the literature in individuals affected with SLC39A4-related conditions. This variant disrupts a region of the SLC39A4 protein in which other variant(s) (p.Gly512Trp) have been determined to be pathogenic (PMID: 19370757, 28188634, 31130284). This suggests that this is a clinically significant region of the protein, and that variants that disrupt it are likely to be disease-causing. For these reasons, this variant has been classified as Pathogenic.

Literature cited by the submitters: PubMed 19370757; PubMed 28188634; PubMed 31130284.